The following is an entry in ClinVar:

ClinVar aggregate classification (germline): Uncertain significance (1 of 4 stars; one submission).

Conditions:
Developmental and epileptic encephalopathy, 36 (DEE36). Also called: Epileptic encephalopathy, early infantile, 36; Congenital disorder of glycosylation, type Is; ALG13-CDG. Identifiers: Orphanet 324422, MedGen C4317295, MONDO:0010472, OMIM 300884.

Submission:

Labcorp Genetics (formerly Invitae), Labcorp
Classification: Uncertain significance for Developmental and epileptic encephalopathy, 36. Last evaluated: 2022-03-29. Review status: criteria provided, single submitter. Criteria: Invitae Variant Classification Sherloc (09022015). Collection method: clinical testing. Allele origin: germline.
Comment: This variant, c.2812_2835del, results in the deletion of 8 amino acid(s) of the ALG13 protein (p.Pro938_Pro945del), but otherwise preserves the integrity of the reading frame. This variant is not present in population databases (gnomAD no frequency). This variant has not been reported in the literature in individuals affected with ALG13-related conditions. Experimental studies and prediction algorithms are not available or were not evaluated, and the functional significance of this variant is currently unknown. In summary, the available evidence is currently insufficient to determine the role of this variant in disease. Therefore, it has been classified as a Variant of Uncertain Significance.

NM_001099922.3(ALG13):c.2797CCT[5] (p.Pro938_Pro945del)

Gene: ALG13 (ALG13 UDP-N-acetylglucosaminyltransferase subunit; plus strand). Cytogenetic location: Xq23.
Variant type: Microsatellite.
Coding change: c.2797CCT[5] on transcript NM_001099922.3 (MANE Select); five copies in a row of the 3-base unit CCT starting at c.2797; the reference has 13 copies in a row; eight copies, 24 bases deleted.
Protein change: p.Pro938_Pro945del.
Molecular consequence: inframe deletion. On other transcripts: intron variant (5).
Genome position (GRCh38, 1-based): chrX:111,744,784-111,744,807, CCTCCTCCTCCTCCTCCTCCTCCT deleted; deleting any 24 consecutive bases within chrX:111,744,769-111,744,807 gives the same sequence; the position shown is the placement nearest the transcript's 3' end. VCF-style (leftmost placement, unchanged base first): chrX-111744768-ACCTCCTCCTCCTCCTCCTCCTCCT-A. GRCh37 (hg19) VCF-style: chrX-110987996-ACCTCCTCCTCCTCCTCCTCCTCCT-A.
Other names: c.2563CCT[5], p.Pro860_Pro867del (NM_001257231.2); c.2383+7890CCT[5] (NM_001257237.2, NM_001257234.2, NM_001257230.2); c.2209+7890CCT[5] (NM_001324293.1); c.2695+7890CCT[5] (NM_001324292.2).
Identifiers: ClinVar variation 2189155 (VCV002189155.1), dbSNP rs56717389, ClinGen allele CA1136345772.